The following is an entry in ClinVar:

NM_016169.4(SUFU):c.82_86del (p.Ser28fs)

Genes: SUFU (SUFU negative regulator of hedgehog signaling; plus strand), LOC130004614 (ATAC-STARR-seq lymphoblastoid silent region 2764; plus strand). Cytogenetic location: 10q24.32.
Variant type: Microsatellite.
Coding change: c.82_86del on transcript NM_016169.4 (MANE Select); coding-DNA positions 82 to 86, 5 bases deleted (TCGCT; older notation c.82_86delTCGCT).
Protein change: p.Ser28fs; shifts the reading frame from serine 28.
Molecular consequence: frameshift variant.
Genome position (GRCh38, 1-based): chr10:102,504,234-102,504,238, TCGCT deleted; deleting any 5 consecutive bases within chr10:102,504,227-102,504,238 gives the same sequence; the c. name uses the placement nearest the transcript's 3' end. VCF-style (leftmost placement, unchanged base first): chr10-102504226-CCTTCG-C. GRCh37 (hg19) VCF-style: chr10-104263983-CCTTCG-C.
Other names: c.82_86del, p.Ser28fs (NM_001178133.2); short protein forms S28fs.
Identifiers: ClinVar variation 1454347 (VCV001454347.6), dbSNP rs2135597925, ClinGen allele CA2580616857.

ClinVar aggregate classification (germline): Pathogenic (1 of 4 stars; one submission).

Conditions:
Gorlin syndrome. Also called: Nevoid Basal Cell Carcinoma Syndrome; Basal cell nevus syndrome. Identifiers: Orphanet 377, MedGen C0004779, MONDO:0007187.
Medulloblastoma (MDB). Also called: Medulloblastoma, somatic; MEDULLOBLASTOMA PREDISPOSITION SYNDROME. Identifiers: Orphanet 616, MedGen C0025149, MeSH D008527, MONDO:0007959, OMIM 155255, HP:0002885.

Submission:

Labcorp Genetics (formerly Invitae), Labcorp
Classification: Pathogenic for Gorlin syndrome; Medulloblastoma. Last evaluated: 2021-08-02. Review status: criteria provided, single submitter. Criteria: Invitae Variant Classification Sherloc (09022015). Collection method: clinical testing. Allele origin: germline.
Comment: For these reasons, this variant has been classified as Pathogenic. This variant has not been reported in the literature in individuals affected with SUFU-related conditions. This variant is not present in population databases (ExAC no frequency). This sequence change creates a premature translational stop signal (p.Ser28Leufs*18) in the SUFU gene. It is expected to result in an absent or disrupted protein product. Loss-of-function variants in SUFU are known to be pathogenic (PMID: 22508808, 25403219).

Literature cited by the submitters: PubMed 22508808; PubMed 25403219.